The following is an entry in ClinVar:

NM_000286.3(PEX12):c.908T>C (p.Val303Ala)

Gene: PEX12 (peroxisomal biogenesis factor 12; minus strand). Cytogenetic location: 17q12.
Variant type: single nucleotide variant.
Coding change: c.908T>C on transcript NM_000286.3 (MANE Select); coding-DNA position 908, T replaced by C.
Protein change: p.Val303Ala; replaces valine 303 with alanine.
Molecular consequence: missense variant.
Genome position (GRCh38, 1-based): chr17:35,575,954, A>G on the plus strand (T>C on the coding strand, the complement: PEX12 is on the minus strand). VCF-style: chr17-35575954-A-G. GRCh37 (hg19) VCF-style: chr17-33902973-A-G.
Other names: short protein forms V303A.
Identifiers: ClinVar variation 1386843 (VCV001386843.6), dbSNP rs2142228949, ClinGen allele CA399137122.

ClinVar aggregate classification (germline): Uncertain significance (1 of 4 stars; one submission).

Conditions:
Peroxisome biogenesis disorder 3A (Zellweger). Also called: PEROXISOMAL BIOGENESIS DISORDER 3A (ZELLWEGER); Peroxisome biogenesis disorder 3A. Identifiers: Orphanet 912, MedGen C3553929, MONDO:0013927, OMIM 614859.

Submission:

Labcorp Genetics (formerly Invitae), Labcorp
Classification: Uncertain significance for Peroxisome biogenesis disorder 3A (Zellweger). Last evaluated: 2022-09-01. Review status: criteria provided, single submitter. Criteria: Invitae Variant Classification Sherloc (09022015). Collection method: clinical testing. Allele origin: germline.
Comment: This variant is not present in population databases (gnomAD no frequency). In summary, the available evidence is currently insufficient to determine the role of this variant in disease. Therefore, it has been classified as a Variant of Uncertain Significance. Algorithms developed to predict the effect of missense changes on protein structure and function (SIFT, PolyPhen-2, Align-GVGD) all suggest that this variant is likely to be tolerated. ClinVar contains an entry for this variant (Variation ID: 1386843). This variant has not been reported in the literature in individuals affected with PEX12-related conditions. This sequence change replaces valine, which is neutral and non-polar, with alanine, which is neutral and non-polar, at codon 303 of the PEX12 protein (p.Val303Ala).